The following is an entry in ClinVar:

NM_001370259.2(MEN1):c.1049+2T>C

Gene: MEN1 (menin 1; minus strand). Cytogenetic location: 11q13.1.
Variant type: single nucleotide variant.
Coding change: c.1049+2T>C on transcript NM_001370259.2 (MANE Select); the canonical splice donor site of the intron after coding-DNA position 1049, T replaced by C.
Molecular consequence: splice donor variant. On other transcripts: non-coding transcript variant (4).
Genome position (GRCh38, 1-based): chr11:64,806,230, A>G on the plus strand (T>C on the coding strand, the complement: MEN1 is on the minus strand). VCF-style: chr11-64806230-A-G. GRCh37 (hg19) VCF-style: chr11-64573702-A-G.
Other names: c.1064+2T>C (NM_130804.3, NM_130803.3, NM_000244.4 and 5 more transcripts); c.944+2T>C (NM_001407148.1, NM_001407149.1, NM_001407151.1 and 2 more transcripts); c.1049+2T>C (NM_130799.3, NM_001407144.1, NM_001370260.2 and 7 more transcripts).
Identifiers: ClinVar variation 547517 (VCV000547517.5), dbSNP rs1555164946, ClinGen allele CA381183120.
Genomic context (GRCh38, chr11:64,806,230, plus strand): 5'-GGTTGGAAACTGATGGAGGGGAAGAAAGGACAGGCTGCAGGCCCTAGTAGGGGGATCCTC[A>G]CTCCTGGATGACAGTGGCCGTGTCCGCCCAGGCCTGCAGGGCTTCCCGCACATTGCGGTT-3'

ClinVar aggregate classification (germline): Pathogenic/Likely pathogenic. Review status: criteria provided, multiple submitters, no conflicts (2 of 4 stars). 2 submissions from 2 submitters: Pathogenic (1); Likely pathogenic (1). Last evaluated 2023-04-19.

Conditions:
Multiple endocrine neoplasia, type 1 (MEN1). Also called: Endocrine adenomatosis multiple; MEN 1; MEA I; MEN I; WERMER SYNDROME. Identifiers: Orphanet 652, MedGen C0025267, MeSH D018761, MONDO:0007540, OMIM 131100.

Submissions (2):

Labcorp Genetics (formerly Invitae), Labcorp
Classification: Pathogenic for Multiple endocrine neoplasia, type 1. Last evaluated: 2023-04-19. Review status: criteria provided, single submitter. Criteria: Invitae Variant Classification Sherloc (09022015). Collection method: clinical testing. Allele origin: germline.
Comment: ClinVar contains an entry for this variant (Variation ID: 547517). Disruption of this splice site has been observed in individual(s) with multiple endocrine neoplasia type 1 (PMID: 9463336, 30339208). In at least one individual the variant was observed to be de novo. This variant is not present in population databases (gnomAD no frequency). This sequence change affects a donor splice site in intron 7 of the MEN1 gene. RNA analysis indicates that disruption of this splice site induces altered splicing and may result in an absent or disrupted protein product. Studies have shown that disruption of this splice site results in activation of a cryptic splice site and introduces a premature termination codon (Invitae). The resulting mRNA is expected to undergo nonsense-mediated decay. For these reasons, this variant has been classified as Pathogenic.

Center for Human Genetics, Inc
Classification: Likely pathogenic for Multiple endocrine neoplasia, type 1. Last evaluated: 2016-11-01. Review status: criteria provided, single submitter. Criteria: ACMG Guidelines, 2015. Collection method: clinical testing. Allele origin: germline. Affected: yes.

Literature cited by the submitters: PubMed 9463336 (cited by Labcorp Genetics (formerly Invitae), Labcorp); PubMed 30339208 (cited by Labcorp Genetics (formerly Invitae), Labcorp).